The following is an entry in ClinVar:

NM_019098.5(CNGB3):c.338+6C>A

Gene: CNGB3 (cyclic nucleotide gated channel subunit beta 3; minus strand). Cytogenetic location: 8q21.3.
Variant type: single nucleotide variant.
Coding change: c.338+6C>A on transcript NM_019098.5 (MANE Select); 6 bases into the intron after coding-DNA position 338, C replaced by A.
Molecular consequence: intron variant.
Genome position (GRCh38, 1-based): chr8:86,726,525, G>T on the plus strand (C>A on the coding strand, the complement: CNGB3 is on the minus strand). VCF-style: chr8-86726525-G-T. GRCh37 (hg19) VCF-style: chr8-87738753-G-T.
Identifiers: ClinVar variation 1479064 (VCV001479064.3), dbSNP rs756625865, ClinGen allele CA4800441.
Genomic context (GRCh38, chr8:86,726,525, plus strand): 5'-TTGAGCTCTTTAGGGCAGGCTGAGCAATATCTCTAAAATATGTTGTGTGTTTTATTAAAT[G>T]CTCACCTGTTTGGACCTTCTTTCCCGGGGTCCATTTCCTTCTGCTCTGGCACTGTTCCAG-3'

ClinVar aggregate classification (germline): Uncertain significance (1 of 4 stars; one submission).

Allele frequency attached by ClinVar (database versions not stated): ExAC 0.00001; gnomAD 0.00001; TOPMed 0.00001.
gnomAD v4.1: 3 of 1,613,496 alleles (0.00019%); highest among the groups gnomAD compares: South Asian, 0.0011%; no homozygotes.

Submission:

Labcorp Genetics (formerly Invitae), Labcorp
Classification: Uncertain significance. Last evaluated: 2022-02-08. Review status: criteria provided, single submitter. Criteria: Invitae Variant Classification Sherloc (09022015). Collection method: clinical testing. Allele origin: germline.
Comment: This sequence change falls in intron 3 of the CNGB3 gene. It does not directly change the encoded amino acid sequence of the CNGB3 protein. It affects a nucleotide within the consensus splice site. This variant is present in population databases (rs756625865, gnomAD 0.0009%). This variant has not been reported in the literature in individuals affected with CNGB3-related conditions. Variants that disrupt the consensus splice site are a relatively common cause of aberrant splicing (PMID: 17576681, 9536098). Algorithms developed to predict the effect of sequence changes on RNA splicing suggest that this variant is not likely to affect RNA splicing. In summary, the available evidence is currently insufficient to determine the role of this variant in disease. Therefore, it has been classified as a Variant of Uncertain Significance.

Literature cited by the submitters: PubMed 17576681; PubMed 9536098.